The following is an entry in ClinVar:

ClinVar aggregate classification (germline): Uncertain significance (1 of 4 stars; one submission).

Conditions:
Beckwith-Wiedemann syndrome (BWS). Also called: EMG SYNDROME; Exomphalos macroglossia gigantism syndrome. Identifiers: Orphanet 116, MedGen C0004903, MONDO:0007534, OMIM 130650.

Submission:

Labcorp Genetics (formerly Invitae), Labcorp
Classification: Uncertain significance for Beckwith-Wiedemann syndrome. Last evaluated: 2023-09-08. Review status: criteria provided, single submitter. Criteria: Invitae Variant Classification Sherloc (09022015). Collection method: clinical testing. Allele origin: germline.
Comment: In summary, the available evidence is currently insufficient to determine the role of this variant in disease. Therefore, it has been classified as a Variant of Uncertain Significance. Advanced modeling of protein sequence and biophysical properties (such as structural, functional, and spatial information, amino acid conservation, physicochemical variation, residue mobility, and thermodynamic stability) performed at Invitae indicates that this missense variant is not expected to disrupt CDKN1C protein function. ClinVar contains an entry for this variant (Variation ID: 2038605). This variant has not been reported in the literature in individuals affected with CDKN1C-related conditions. This variant is not present in population databases (gnomAD no frequency). This sequence change replaces cysteine, which is neutral and slightly polar, with tryptophan, which is neutral and slightly polar, at codon 295 of the CDKN1C protein (p.Cys295Trp).

NM_001122630.2(CDKN1C):c.852T>G (p.Cys284Trp)

Gene: CDKN1C (cyclin dependent kinase inhibitor 1C; minus strand). Cytogenetic location: 11p15.4.
Variant type: single nucleotide variant.
Coding change: c.852T>G on transcript NM_001122630.2 (MANE Select); coding-DNA position 852, T replaced by G.
Protein change: p.Cys284Trp; replaces cysteine 284 with tryptophan.
Molecular consequence: missense variant.
Genome position (GRCh38, 1-based): chr11:2,884,070, A>C on the plus strand (T>G on the coding strand, the complement: CDKN1C is on the minus strand). VCF-style: chr11-2884070-A-C. GRCh37 (hg19) VCF-style: chr11-2905300-A-C.
Other names: c.852T>G, p.Cys284Trp (NM_001122631.2); c.885T>G, p.Cys295Trp (NM_001362474.2, NM_000076.2); c.320T>G, p.Val107Gly (NM_001362475.2); short protein forms C295W, C284W, V107G.
Identifiers: ClinVar variation 2038605 (VCV002038605.4), dbSNP rs1564928644, ClinGen allele CA379144888.